The following is an entry in ClinVar:

ClinVar aggregate classification (germline): Uncertain significance. Review status: criteria provided, single submitter (1 of 4 stars). 2 submissions from 2 submitters: Uncertain significance (1). 1 of the submissions does not count toward it. Last evaluated 2022-05-17.

Conditions:
MKKS-related disorder. Also called: MKKS-related disorders; MKKS-related condition.
Bardet-Biedl syndrome (BBS). Identifiers: Orphanet 110, MedGen C0752166, MONDO:0015229.
McKusick-Kaufman syndrome (MKKS). Also called: HYDROMETROCOLPOS SYNDROME; HYDROMETROCOLPOS, POSTAXIAL POLYDACTYLY, AND CONGENITAL HEART MALFORMATION. Identifiers: Orphanet 2473, MedGen C0948368, MONDO:0009367, OMIM 236700.

Allele frequency attached by ClinVar (database versions not stated): gnomAD exomes below 0.00001.
gnomAD v4.1: 1 of 1,613,718 alleles (0.000062%); highest among the groups gnomAD compares: Non-Finnish European, 0.000085%; no homozygotes.

Submissions (2):

Labcorp Genetics (formerly Invitae), Labcorp
Classification: Uncertain significance for McKusick-Kaufman syndrome; Bardet-Biedl syndrome. Last evaluated: 2022-05-17. Review status: criteria provided, single submitter. Criteria: Invitae Variant Classification Sherloc (09022015). Collection method: clinical testing. Allele origin: germline.
Comment: This sequence change replaces isoleucine, which is neutral and non-polar, with threonine, which is neutral and polar, at codon 201 of the MKKS protein (p.Ile201Thr). This variant is present in population databases (no rsID available, gnomAD 0.0009%). This variant has not been reported in the literature in individuals affected with MKKS-related conditions. Algorithms developed to predict the effect of missense changes on protein structure and function (SIFT, PolyPhen-2, Align-GVGD) all suggest that this variant is likely to be tolerated. In summary, the available evidence is currently insufficient to determine the role of this variant in disease. Therefore, it has been classified as a Variant of Uncertain Significance.

PreventionGenetics, part of Exact Sciences
Classification: Uncertain significance for MKKS-related condition. Last evaluated: 2024-03-26. Review status: no assertion criteria provided. Collection method: clinical testing. Allele origin: germline. Not counted in ClinVar's aggregate classification.
Comment: The MKKS c.602T>C variant is predicted to result in the amino acid substitution p.Ile201Thr. To our knowledge, this variant has not been reported in the literature. This variant is reported in 0.00088% of alleles in individuals of European (Non-Finnish) descent in gnomAD. At this time, the clinical significance of this variant is uncertain due to the absence of conclusive functional and genetic evidence.

NM_170784.3(MKKS):c.602T>C (p.Ile201Thr)

Gene: MKKS (MKKS centrosomal shuttling protein; minus strand). Cytogenetic location: 20p12.2.
Variant type: single nucleotide variant.
Coding change: c.602T>C on transcript NM_170784.3 (MANE Select); coding-DNA position 602, T replaced by C.
Protein change: p.Ile201Thr; replaces isoleucine 201 with threonine.
Molecular consequence: missense variant.
Genome position (GRCh38, 1-based): chr20:10,412,913, A>G on the plus strand (T>C on the coding strand, the complement: MKKS is on the minus strand). VCF-style: chr20-10412913-A-G. GRCh37 (hg19) VCF-style: chr20-10393561-A-G.
Other names: c.602T>C, p.Ile201Thr (NM_018848.3); short protein forms I201T.
Identifiers: ClinVar variation 1980981 (VCV001980981.5), dbSNP rs1191155721, ClinGen allele CA408232744.